The following is an entry in ClinVar:

ClinVar aggregate classification (germline): Uncertain significance (1 of 4 stars; one submission).

Allele frequency attached by ClinVar (database versions not stated): TOPMed below 0.00001; ExAC 0.00002.
gnomAD v4.1: 15 of 1,613,928 alleles (0.00093%); highest among the groups gnomAD compares: East Asian, 0.0022%; no homozygotes.

Submission:

Labcorp Genetics (formerly Invitae), Labcorp
Classification: Uncertain significance. Last evaluated: 2022-07-11. Review status: criteria provided, single submitter. Criteria: Invitae Variant Classification Sherloc (09022015). Collection method: clinical testing. Allele origin: germline.
Comment: This sequence change replaces arginine, which is basic and polar, with cysteine, which is neutral and slightly polar, at codon 922 of the KIAA1549 protein (p.Arg922Cys). This variant is present in population databases (rs763627108, gnomAD 0.006%). This variant has not been reported in the literature in individuals affected with KIAA1549-related conditions. Algorithms developed to predict the effect of missense changes on protein structure and function (SIFT, PolyPhen-2, Align-GVGD) all suggest that this variant is likely to be tolerated. In summary, the available evidence is currently insufficient to determine the role of this variant in disease. Therefore, it has been classified as a Variant of Uncertain Significance.

NM_001164665.2(KIAA1549):c.2764C>T (p.Arg922Cys)

Gene: KIAA1549 (KIAA1549; minus strand). Cytogenetic location: 7q34.
Variant type: single nucleotide variant.
Coding change: c.2764C>T on transcript NM_001164665.2 (MANE Select); coding-DNA position 2764, C replaced by T.
Protein change: p.Arg922Cys; replaces arginine 922 with cysteine.
Molecular consequence: missense variant.
Genome position (GRCh38, 1-based): chr7:138,916,862, G>A on the plus strand (C>T on the coding strand, the complement: KIAA1549 is on the minus strand). VCF-style: chr7-138916862-G-A. GRCh37 (hg19) VCF-style: chr7-138601608-G-A.
Other names: c.2764C>T, p.Arg922Cys (NM_020910.3); short protein forms R922C.
Identifiers: ClinVar variation 2195013 (VCV002195013.1), dbSNP rs763627108, ClinGen allele CA4506418.